The following is an entry in ClinVar:

NM_001987.5(ETV6):c.460_461dup (p.Asp155fs)

Gene: ETV6 (ETS variant transcription factor 6; plus strand). Cytogenetic location: 12p13.2.
Variant type: Duplication.
Coding change: c.460_461dup on transcript NM_001987.5 (MANE Select); coding-DNA positions 460 to 461, 2 bases duplicated (GA; older notation c.460_461dupGA).
Protein change: p.Asp155fs; shifts the reading frame from aspartic acid 155.
Molecular consequence: frameshift variant.
Genome position (GRCh38, 1-based): chr12:11,853,558-11,853,559, GA duplicated; duplicating any 2 consecutive bases within chr12:11,853,557-11,853,559 gives the same sequence; the c. name uses the placement nearest the transcript's 3' end. VCF-style (leftmost placement, unchanged base first): chr12-11853556-A-AAG. GRCh37 (hg19) VCF-style: chr12-12006490-A-AAG.
Other names: c.457_458dup, p.Asp154fs (NM_001413913.1); c.433_434dup, p.Asp146fs (NM_001413914.1); c.196_197dup, p.Asp67fs (NM_001413915.1); c.460_461dup, p.Asp155fs (NM_001413916.1, NM_001413917.1); short protein forms D146fs, D154fs, D155fs, D67fs.
Identifiers: ClinVar variation 5038028 (VCV005038028.1).

ClinVar aggregate classification (oncogenicity): Likely oncogenic (1 of 4 stars; one submission).

Conditions:
Acute myeloid leukemia (AML). Also called: Acute myeloid leukemia, adult; AML adult; Acute non-lymphocytic leukemia; Acute granulocytic leukemia; Leukemia, acute myeloid, somatic; Leukemia, acute myelogenous, somatic. Identifiers: Orphanet 519, MedGen C0023467, MeSH D015470, MONDO:0018874, OMIM 601626, HP:0004808. Disease mechanism: Constitutively activated FLT3.

Submission:

Center for Virology of Infectious and Tropical Diseases (CVMIT), Mohammed V Military Teaching Hospital
Classification: Likely oncogenic for Acute myeloid leukemia. Last evaluated: 2026-10-16. Review status: criteria provided, single submitter. Criteria: ClinGen/CGC/VICC Guidelines for Oncogenicity, 2022. Collection method: research. Allele origin: somatic. Affected: yes. Observed: 1 variant allele.
Comment: ETV6 p.Asp155LysfsTer55. Oncogenicity classified with the ClinGen/CGC/VICC SOP (Horak et al. 2022, PMID:35101336). Criteria applied: OVS1: frameshift (p.Asp155LysfsTer55) truncating ETV6 upstream of the ETS DNA-binding domain; ETV6 is a bona fide tumour suppressor in myeloid neoplasms (PMID:21714648, PMID:25581430). Total 8 points (Likely oncogenic). ClinVar at analysis (release 2022-07-09, used by Ion Reporter): not present. No current ClinVar record (consulted 2026-10-29).

Literature cited by the submitters: PubMed 21714648; PubMed 25581430.